The following is an entry in ClinVar:

NM_004991.4(MECOM):c.2644T>C (p.Phe882Leu)

Gene: MECOM (MDS1 and EVI1 complex locus; minus strand). Cytogenetic location: 3q26.2.
Variant type: single nucleotide variant.
Coding change: c.2644T>C on transcript NM_004991.4 (MANE Select); coding-DNA position 2644, T replaced by C.
Protein change: p.Phe882Leu; replaces phenylalanine 882 with leucine.
Molecular consequence: missense variant.
Genome position (GRCh38, 1-based): chr3:169,102,187, A>G on the plus strand (T>C on the coding strand, the complement: MECOM is on the minus strand). VCF-style: chr3-169102187-A-G. GRCh37 (hg19) VCF-style: chr3-168819975-A-G.
Other names: c.2275T>C, p.Phe759Leu (NM_001105077.4); c.2080T>C, p.Phe694Leu (NM_001105078.4, NM_001205194.2, NM_001366469.2 and 1 more transcripts); c.2056T>C, p.Phe686Leu (NM_001163999.2, NM_001366470.2); c.2053T>C, p.Phe685Leu (NM_001164000.2, NM_001366471.2, NM_001366472.2); c.2617T>C, p.Phe873Leu (NM_001366466.2); c.2083T>C, p.Phe695Leu (NM_001366467.2, NM_001366468.2); c.1645T>C, p.Phe549Leu (NM_001366473.2); c.1081T>C, p.Phe361Leu (NM_001366474.2); short protein forms F361L, F549L, F685L, F686L, F694L, F695L, F759L, F873L.
Identifiers: ClinVar variation 4859818 (VCV004859818.1).

ClinVar aggregate classification (germline): Uncertain significance (1 of 4 stars; one submission).

Conditions:
Inborn genetic diseases. Identifiers: MedGen C0950123, MeSH D030342.

Submission:

Ambry Genetics
Classification: Uncertain significance for Inborn genetic diseases. Last evaluated: 2026-06-10. Review status: criteria provided, single submitter. Criteria: Ambry Variant Classification Scheme 2023. Collection method: clinical testing. Allele origin: germline.
Comment: The p.F882L variant (also known as c.2644T>C), located in coding exon 11 of the MECOM gene, results from a T to C substitution at nucleotide position 2644. The phenylalanine at codon 882 is replaced by leucine, an amino acid with highly similar properties. This amino acid position is conserved. In addition, this alteration is predicted to be tolerated by in silico analysis. Based on the available evidence, the clinical significance of this variant remains unclear.